The following is an entry in ClinVar:

ClinVar aggregate classification (germline): Likely benign. Review status: criteria provided, multiple submitters, no conflicts (2 of 4 stars). 2 submissions from 2 submitters: Likely benign (2). Last evaluated 2022-11-10.

Allele frequency attached by ClinVar (database versions not stated): TOPMed below 0.00001; gnomAD 0.00001.
gnomAD v4.1: 5 of 1,275,770 alleles (0.00039%); highest among the groups gnomAD compares: Non-Finnish European, 0.00049%; no homozygotes.

Submissions (2):

Labcorp Genetics (formerly Invitae), Labcorp
Classification: Likely benign. Last evaluated: 2022-11-10. Review status: criteria provided, single submitter. Criteria: Invitae Variant Classification Sherloc (09022015). Collection method: clinical testing. Allele origin: germline.

CeGaT Center for Human Genetics Tuebingen
Classification: Likely benign. Last evaluated: 2022-11-01. Review status: criteria provided, single submitter. Criteria: CeGaT Center For Human Genetics Tuebingen Variant Classification Criteria Version 2. Collection method: clinical testing. Allele origin: germline. Affected: yes. Observed: 1 variant allele.
Comment: KCNQ5: BP4, BP7

NM_019842.4(KCNQ5):c.87G>A (p.Gly29=)

Genes: KCNQ5 (potassium voltage-gated channel subfamily Q member 5; plus strand), KCNQ5-DT (KCNQ5 divergent transcript; minus strand), LOC129996711 (ATAC-STARR-seq lymphoblastoid silent region 17329; plus strand). Cytogenetic location: 6q13.
Variant type: single nucleotide variant.
Coding change: c.87G>A on transcript NM_019842.4 (MANE Select); coding-DNA position 87, G replaced by A.
Protein change: p.Gly29=; no amino-acid change (glycine 29 retained).
Molecular consequence: synonymous variant.
Genome position (GRCh38, 1-based): chr6:72,622,276, G>A. VCF-style: chr6-72622276-G-A. GRCh37 (hg19) VCF-style: chr6-73332004-G-A.
Other names: c.87G>A, p.Gly29= (NM_001160130.2, NM_001160132.2, NM_001160133.2 and 1 more transcripts).
Identifiers: ClinVar variation 2656695 (VCV002656695.27), dbSNP rs1258779237, ClinGen allele CA451115406.